The following is an entry in ClinVar:

NM_022124.6(CDH23):c.9268T>G (p.Tyr3090Asp)

Gene: CDH23 (cadherin related 23; plus strand). Cytogenetic location: 10q22.1.
Variant type: single nucleotide variant.
Coding change: c.9268T>G on transcript NM_022124.6 (MANE Select); coding-DNA position 9268, T replaced by G.
Protein change: p.Tyr3090Asp; replaces tyrosine 3090 with aspartic acid.
Molecular consequence: missense variant.
Genome position (GRCh38, 1-based): chr10:71,811,580, T>G. VCF-style: chr10-71811580-T-G. GRCh37 (hg19) VCF-style: chr10-73571337-T-G.
Other names: c.2548T>G, p.Tyr850Asp (NM_001171933.1, NM_001171934.1); short protein forms Y3090D, Y850D.
Identifiers: ClinVar variation 1928295 (VCV001928295.2), dbSNP rs2494453118, ClinGen allele CA377135456.
Genomic context (GRCh38, chr10:71,811,580, plus strand): 5'-ATCGTCCTGGCTATCCTCCTGTTCCTGGCCGCCATGCTCTTTGTCCTCATGAACTGGTAC[T>G]ACAGGACTGTGTGAGTGTCCCCCACCCCTGCCATCAGGGGGCCGACCACCTGCTCCCGGA-3'
Protein context (NP_071407.4, residues 3080-3100): AMLFVLMNWY[Tyr3090Asp]RTVHKRKLKA

ClinVar aggregate classification (germline): Uncertain significance (1 of 4 stars; one submission).

Allele frequency attached by ClinVar (database versions not stated): gnomAD exomes 0.00001.
gnomAD v4.1: 8 of 1,613,964 alleles (0.0005%); highest among the groups gnomAD compares: Non-Finnish European, 0.00068%; no homozygotes.

Submission:

Labcorp Genetics (formerly Invitae), Labcorp
Classification: Uncertain significance. Last evaluated: 2022-09-06. Review status: criteria provided, single submitter. Criteria: Invitae Variant Classification Sherloc (09022015). Collection method: clinical testing. Allele origin: germline.
Comment: This sequence change replaces tyrosine, which is neutral and polar, with aspartic acid, which is acidic and polar, at codon 3090 of the CDH23 protein (p.Tyr3090Asp). This variant is not present in population databases (gnomAD no frequency). This variant has not been reported in the literature in individuals affected with CDH23-related conditions. Algorithms developed to predict the effect of missense changes on protein structure and function are either unavailable or do not agree on the potential impact of this missense change (SIFT: "Deleterious"; PolyPhen-2: "Not Available"; Align-GVGD: "Class C0"). Algorithms developed to predict the effect of sequence changes on RNA splicing suggest that this variant may create or strengthen a splice site. In summary, the available evidence is currently insufficient to determine the role of this variant in disease. Therefore, it has been classified as a Variant of Uncertain Significance.